The following is an entry in ClinVar:

NM_004183.4(BEST1):c.868-1G>A

Gene: BEST1 (bestrophin 1; plus strand). Cytogenetic location: 11q12.3.
Variant type: single nucleotide variant.
Coding change: c.868-1G>A on transcript NM_004183.4 (MANE Select); the canonical splice acceptor site of the intron before coding-DNA position 868, G replaced by A.
Molecular consequence: splice acceptor variant. On other transcripts: intron variant (4).
Genome position (GRCh38, 1-based): chr11:61,959,497, G>A. VCF-style: chr11-61959497-G-A. GRCh37 (hg19) VCF-style: chr11-61726969-G-A.
Other names: c.1071-1G>A (NM_001363592.2); c.868-1G>A (NM_001440571.1); c.868-395G>A (NM_001440572.1); c.715-1G>A (NM_001440573.1); c.688-1G>A (NM_001139443.3, NM_001300787.2); c.688-395G>A (NM_001440574.1, NM_001300786.2); c.535-1G>A (NM_001440575.1); c.535-395G>A (NM_001440576.1); and 2 more.
Identifiers: ClinVar variation 1074923 (VCV001074923.9), dbSNP rs2134453079, ClinGen allele CA380843550.
Genomic context (GRCh38, chr11:61,959,497, plus strand): 5'-GGGGGAAGCTGGCTTTGAGGAGTTCTGCCTGAGGGTTTACAGAGCCTCACCTGTCCCCAA[G>A]GTGGCAGAGCAGCTCATCAACCCCTTTGGAGAGGATGATGATGATTTTGAGACCAACTGG-3'

ClinVar aggregate classification (germline): Pathogenic (1 of 4 stars; one submission).

Allele frequency attached by ClinVar (database versions not stated): gnomAD exomes below 0.00001.
gnomAD v4.1: 3 of 1,614,188 alleles (0.00019%); highest among the groups gnomAD compares: Non-Finnish European, 0.00025%; no homozygotes.

Submission:

Labcorp Genetics (formerly Invitae), Labcorp
Classification: Pathogenic. Last evaluated: 2020-10-27. Review status: criteria provided, single submitter. Criteria: Invitae Variant Classification Sherloc (09022015). Collection method: clinical testing. Allele origin: germline.
Comment: Disruption of this splice site has been observed in individual(s) with autosomal recessive bestrophinopathy (PMID: 21273940, 28687848). In at least one individual the data is consistent with the variant being in trans (on the opposite chromosome) from a pathogenic variant. For these reasons, this variant has been classified as Pathogenic. Algorithms developed to predict the effect of sequence changes on RNA splicing suggest that this variant may disrupt the consensus splice site, but this prediction has not been confirmed by published transcriptional studies. This variant is not present in population databases (ExAC no frequency). This sequence change affects an acceptor splice site in intron 7 of the BEST1 gene. It is expected to disrupt RNA splicing. Variants that disrupt the donor or acceptor splice site typically lead to a loss of protein function (PMID: 16199547), and loss-of-function variants in BEST1 are known to be pathogenic (PMID: 21825197).

Literature cited by the submitters: PubMed 21273940; PubMed 28687848; PubMed 16199547; PubMed 21825197.